The following is an entry in ClinVar:

NM_002508.3(NID1):c.3302G>C (p.Arg1101Thr)

Gene: NID1 (nidogen 1; minus strand). Cytogenetic location: 1q42.3.
Variant type: single nucleotide variant.
Coding change: c.3302G>C on transcript NM_002508.3 (MANE Select); coding-DNA position 3302, G replaced by C.
Protein change: p.Arg1101Thr; replaces arginine 1101 with threonine.
Molecular consequence: missense variant.
Genome position (GRCh38, 1-based): chr1:235,980,579, C>G on the plus strand (G>C on the coding strand, the complement: NID1 is on the minus strand). VCF-style: chr1-235980579-C-G. GRCh37 (hg19) VCF-style: chr1-236143879-C-G.
Other names: short protein forms R1101T.
Identifiers: ClinVar variation 2562528 (VCV002562528.3), dbSNP rs267598426, ClinGen allele CA1467938.
Genomic context (GRCh38, chr1:235,980,579, plus strand): 5'-GATGAGAACGCATCGAAGGTCAGTCCATTGGGCAAGCCCAGGTCATCCTGCACAAGGATC[C>G]TCCGGTTCGTGCCGTCCATGTAGGAAGTTTCAATCTTGGGGTTATCTCTGTTCCAGTCTG-3'
Protein context (NP_002499.2, residues 1091-1111): ETSYMDGTNR[Arg1101Thr]ILVQDDLGLP

ClinVar aggregate classification (germline): Uncertain significance (1 of 4 stars; one submission).

Allele frequency attached by ClinVar (database versions not stated): gnomAD exomes 0.00005; gnomAD 0.00003.
gnomAD v4.1: 74 of 1,614,222 alleles (0.0046%); highest among the groups gnomAD compares: South Asian, 0.075%; 1 homozygote.

Submission:

Ambry Genetics
Classification: Uncertain significance. Last evaluated: 2025-09-26. Review status: criteria provided, single submitter. Criteria: Ambry Variant Classification Scheme 2023. Collection method: clinical testing. Allele origin: germline.
Comment: The c.3302G>C (p.R1101T) alteration is located in exon 17 (coding exon 17) of the NID1 gene. This alteration results from a G to C substitution at nucleotide position 3302, causing the arginine (R) at amino acid position 1101 to be replaced by a threonine (T). Based on data from gnomAD, the C allele has an overall frequency of 0.008% (22/282854) total alleles studied. The highest observed frequency was 0.062% (19/30616) of South Asian alleles. Based on insufficient or conflicting evidence, the clinical significance of this alteration remains unclear.